The following is an entry in ClinVar:

ClinVar aggregate classification (germline): Conflicting classifications of pathogenicity. Review status: criteria provided, conflicting classifications (1 of 4 stars). 3 submissions from 3 submitters: Uncertain significance (1); Likely benign (2). Last evaluated 2025-01-19.

Conditions:
Familial melanoma. Also called: Hereditary melanoma; Hereditary cutaneous melanoma. Identifiers: Orphanet 618, MedGen C1512419, MONDO:0018961.
Melanoma, cutaneous malignant, susceptibility to, 3. Also called: Cutaneous malignant melanoma 3. Identifiers: Orphanet 618, MedGen C1836892, MONDO:0012183, OMIM 609048.

Submissions (3):

Labcorp Genetics (formerly Invitae), Labcorp
Classification: Likely benign for Familial melanoma. Last evaluated: 2025-01-19. Review status: criteria provided, single submitter. Criteria: Invitae Variant Classification Sherloc (09022015). Collection method: clinical testing. Allele origin: germline.

Myriad Genetics, Inc.
Classification: Likely benign for Melanoma, cutaneous malignant, susceptibility to, 3. Last evaluated: 2024-09-26. Review status: criteria provided, single submitter. Criteria: Myriad Autosomal Dominant, Autosomal Recessive and X-Linked Classification Criteria (2023). Collection method: clinical testing. Allele origin: unknown.
Comment: This variant is considered likely benign. This variant is intronic and is not expected to impact mRNA splicing.

Quest Diagnostics Nichols Institute San Juan Capistrano
Classification: Uncertain significance. Last evaluated: 2016-09-02. Review status: criteria provided, single submitter. Criteria: Quest Diagnostics criteria. Collection method: clinical testing. Allele origin: germline.

NM_000075.4(CDK4):c.632+5dup

Gene: CDK4 (cyclin dependent kinase 4; minus strand). Cytogenetic location: 12q14.1.
Variant type: Duplication.
Coding change: c.632+5dup on transcript NM_000075.4 (MANE Select); 5 bases into the intron after coding-DNA position 632, one base duplicated (G; older notation c.632+5dupG).
Molecular consequence: intron variant.
Genome position (GRCh38, 1-based): chr12:57,750,649, C duplicated on the plus strand (G on the coding strand, the reverse complement: CDK4 is on the minus strand); the first of 3 consecutive C bases (chr12:57,750,649-57,750,651); duplicating any one gives the same sequence. VCF-style (leftmost placement, unchanged base first): chr12-57750648-T-TC. GRCh37 (hg19) VCF-style: chr12-58144431-T-TC.
Identifiers: ClinVar variation 439047 (VCV000439047.7), dbSNP rs1555201260, ClinGen allele CA645509326.